The following is an entry in ClinVar:

NM_000520.6(HEXA):c.1306A>T (p.Ile436Leu)

Gene: HEXA (hexosaminidase subunit alpha; minus strand). Cytogenetic location: 15q23.
Variant type: single nucleotide variant.
Coding change: c.1306A>T on transcript NM_000520.6 (MANE Select); coding-DNA position 1306, A replaced by T.
Protein change: p.Ile436Leu; replaces isoleucine 436 with leucine.
Molecular consequence: missense variant.
Genome position (GRCh38, 1-based): chr15:72,346,551, T>A on the plus strand (A>T on the coding strand, the complement: HEXA is on the minus strand). VCF-style: chr15-72346551-T-A. GRCh37 (hg19) VCF-style: chr15-72638892-T-A.
Other names: c.1339A>T, p.Ile447Leu (NM_001318825.2); short protein forms I447L, I436L.
Identifiers: ClinVar variation 1382790 (VCV001382790.6), dbSNP rs1800431, ClinGen allele CA393060459.

ClinVar aggregate classification (germline): Uncertain significance (1 of 4 stars; one submission).

Conditions:
Tay-Sachs disease (TSD). Also called: HEXA DEFICIENCY; GM2 gangliosidosis, type 1; Hexosaminidase alpha-subunit deficiency (variant B); Sphingolipidosis, Tay-Sachs; Hexosaminidase A Deficiency; HEXA Disorders. Identifiers: Orphanet 845, MedGen C0039373, MONDO:0010100, OMIM 272800.

Submission:

Labcorp Genetics (formerly Invitae), Labcorp
Classification: Uncertain significance for Tay-Sachs disease. Last evaluated: 2022-06-27. Review status: criteria provided, single submitter. Criteria: Invitae Variant Classification Sherloc (09022015). Collection method: clinical testing. Allele origin: germline.
Comment: This sequence change replaces isoleucine, which is neutral and non-polar, with leucine, which is neutral and non-polar, at codon 436 of the HEXA protein (p.Ile436Leu). In summary, the available evidence is currently insufficient to determine the role of this variant in disease. Therefore, it has been classified as a Variant of Uncertain Significance. Algorithms developed to predict the effect of missense changes on protein structure and function output the following: SIFT: "Tolerated"; PolyPhen-2: "Benign"; Align-GVGD: "Class C0". The leucine amino acid residue is found in multiple mammalian species, which suggests that this missense change does not adversely affect protein function. This variant has not been reported in the literature in individuals affected with HEXA-related conditions. This variant is not present in population databases (gnomAD no frequency).